The following is an entry in ClinVar:

ClinVar aggregate classification (germline): Uncertain significance (1 of 4 stars; one submission).

gnomAD v4.1: 2 of 1,613,818 alleles (0.00012%); highest among the groups gnomAD compares: African/African-American, 0.0013%; no homozygotes.

Submission:

Women's Health and Genetics/Laboratory Corporation of America, LabCorp
Classification: Uncertain significance. Last evaluated: 2025-10-10. Review status: criteria provided, single submitter. Criteria: LabCorp Variant Classification Summary - May 2015. Collection method: clinical testing. Allele origin: germline.
Comment: Variant summary: COL4A3 c.4208G>C (p.Gly1403Ala) results in a non-conservative amino acid change in the encoded protein sequence. Algorithms developed to predict the effect of missense changes on protein structure and function all suggest that this variant is likely to be disruptive. The variant allele was found at a frequency of 4e-06 in 249192 control chromosomes. The available data on variant occurrences in the general population are insufficient to allow any conclusion about variant significance. To our knowledge, no occurrence of c.4208G>C in individuals affected with COL4A3-related conditions and no experimental evidence demonstrating its impact on protein function have been reported. No submitters have cited clinical-significance assessments for this variant to ClinVar. Based on the evidence outlined above, the variant was classified as uncertain significance.

NM_000091.5(COL4A3):c.4208G>C (p.Gly1403Ala)

Genes: COL4A3 (collagen type IV alpha 3 chain; plus strand), MFF-DT (MFF divergent transcript; minus strand). Cytogenetic location: 2q36.3.
Variant type: single nucleotide variant.
Coding change: c.4208G>C on transcript NM_000091.5 (MANE Select); coding-DNA position 4208, G replaced by C.
Protein change: p.Gly1403Ala; replaces glycine 1403 with alanine.
Molecular consequence: missense variant.
Genome position (GRCh38, 1-based): chr2:227,305,039, G>C. VCF-style: chr2-227305039-G-C. GRCh37 (hg19) VCF-style: chr2-228169755-G-C.
Other names: short protein forms G1403A.
Identifiers: ClinVar variation 4687367 (VCV004687367.1).